The following is an entry in ClinVar:

NM_000553.6(WRN):c.1443C>A (p.Asn481Lys)

Gene: WRN (WRN RecQ like helicase; plus strand). Cytogenetic location: 8p12.
Variant type: single nucleotide variant.
Coding change: c.1443C>A on transcript NM_000553.6 (MANE Select); coding-DNA position 1443, C replaced by A.
Protein change: p.Asn481Lys; replaces asparagine 481 with lysine.
Molecular consequence: missense variant.
Genome position (GRCh38, 1-based): chr8:31,087,787, C>A. VCF-style: chr8-31087787-C-A. GRCh37 (hg19) VCF-style: chr8-30945303-C-A.
Other names: short protein forms N481K.
Identifiers: ClinVar variation 1513704 (VCV001513704.3), dbSNP rs760660037, ClinGen allele CA370924247.

ClinVar aggregate classification (germline): Uncertain significance (1 of 4 stars; one submission).

Conditions:
Werner syndrome (WRN). Identifiers: Orphanet 902, MedGen C0043119, MONDO:0010196, OMIM 277700.

Submission:

Labcorp Genetics (formerly Invitae), Labcorp
Classification: Uncertain significance for Werner syndrome. Last evaluated: 2022-05-27. Review status: criteria provided, single submitter. Criteria: Invitae Variant Classification Sherloc (09022015). Collection method: clinical testing. Allele origin: germline.
Comment: This sequence change replaces asparagine, which is neutral and polar, with lysine, which is basic and polar, at codon 481 of the WRN protein (p.Asn481Lys). This variant is not present in population databases (gnomAD no frequency). This variant has not been reported in the literature in individuals affected with WRN-related conditions. ClinVar contains an entry for this variant (Variation ID: 1513704). Algorithms developed to predict the effect of missense changes on protein structure and function are either unavailable or do not agree on the potential impact of this missense change (SIFT: "Not Available"; PolyPhen-2: "Benign"; Align-GVGD: "Not Available"). In summary, the available evidence is currently insufficient to determine the role of this variant in disease. Therefore, it has been classified as a Variant of Uncertain Significance.